The following is an entry in ClinVar:

NM_024422.6(DSC2):c.719A>G (p.Tyr240Cys)

Gene: DSC2 (desmocollin 2; minus strand). Cytogenetic location: 18q12.1.
Variant type: single nucleotide variant.
Coding change: c.719A>G on transcript NM_024422.6 (MANE Select); coding-DNA position 719, A replaced by G.
Protein change: p.Tyr240Cys; replaces tyrosine 240 with cysteine.
Molecular consequence: missense variant.
Genome position (GRCh38, 1-based): chr18:31,087,725, T>C on the plus strand (A>G on the coding strand, the complement: DSC2 is on the minus strand). VCF-style: chr18-31087725-T-C. GRCh37 (hg19) VCF-style: chr18-28667688-T-C.
Other names: c.290A>G, p.Tyr97Cys (NM_001406506.1, NM_001406507.1); c.719A>G, p.Tyr240Cys (NM_004949.5); short protein forms Y240C, Y97C.
Identifiers: ClinVar variation 2078532 (VCV002078532.5), dbSNP rs749567597, ClinGen allele CA039667.

ClinVar aggregate classification (germline): Uncertain significance. Review status: criteria provided, multiple submitters, no conflicts (2 of 4 stars). 2 submissions from 2 submitters: Uncertain significance (2). Last evaluated 2024-09-23.

Conditions:
Familial isolated arrhythmogenic right ventricular dysplasia. Identifiers: Orphanet 217656, MedGen C4274968, MONDO:0016342.
Arrhythmogenic right ventricular dysplasia 11. Also called: Arrhythmogenic Right Ventricular Dysplasia/Cardiomyopathy11; ARRHYTHMOGENIC RIGHT VENTRICULAR DYSPLASIA, FAMILIAL, 11; Arrhythmogenic right ventricular dysplasia 11 with mild palmoplantar keratoderma and woolly hair. Identifiers: MedGen C1864850, MONDO:0012506, OMIM 610476.

Allele frequency attached by ClinVar (database versions not stated): gnomAD exomes 0.00001; ExAC 0.00002.
gnomAD v4.1: 7 of 1,613,758 alleles (0.00043%); highest among the groups gnomAD compares: Admixed American, 0.012%; no homozygotes.

Submissions (2):

All of Us Research Program, National Institutes of Health
Classification: Uncertain significance for Familial isolated arrhythmogenic right ventricular dysplasia. Last evaluated: 2024-09-23. Review status: criteria provided, single submitter. Criteria: ACMG Guidelines, 2015. Collection method: clinical testing. Allele origin: germline. Inheritance: Autosomal dominant inheritance. Observed: 2 variant alleles, 2 heterozygotes.
Comment: This missense variant replaces tyrosine with cysteine at codon 240 of the DSC2 protein. Computational prediction suggests that this variant may not impact protein structure and function (internally defined REVEL score threshold <= 0.5, PMID: 27666373). To our knowledge, functional studies have not been reported for this variant. This variant has not been reported in individuals affected with DSC2-related disorders in the literature. This variant has been identified in 5/251064 chromosomes in the general population by the Genome Aggregation Database (gnomAD). The available evidence is insufficient to determine the role of this variant in disease conclusively. Therefore, this variant is classified as a Variant of Uncertain Significance.

This study involves interpretation of variants in research participants for the purpose of population health screening. Participant phenotype was not available at the time of variant classification. Additional details can be found in publication PMID: 35346344, PMCID: PMC8962531

Labcorp Genetics (formerly Invitae), Labcorp
Classification: Uncertain significance for Arrhythmogenic right ventricular dysplasia 11. Last evaluated: 2023-09-15. Review status: criteria provided, single submitter. Criteria: Invitae Variant Classification Sherloc (09022015). Collection method: clinical testing. Allele origin: germline.
Comment: In summary, the available evidence is currently insufficient to determine the role of this variant in disease. Therefore, it has been classified as a Variant of Uncertain Significance. Advanced modeling of protein sequence and biophysical properties (such as structural, functional, and spatial information, amino acid conservation, physicochemical variation, residue mobility, and thermodynamic stability) performed at Invitae indicates that this missense variant is not expected to disrupt DSC2 protein function. ClinVar contains an entry for this variant (Variation ID: 2078532). This variant has not been reported in the literature in individuals affected with DSC2-related conditions. This variant is present in population databases (rs749567597, gnomAD 0.01%). This sequence change replaces tyrosine, which is neutral and polar, with cysteine, which is neutral and slightly polar, at codon 240 of the DSC2 protein (p.Tyr240Cys).